The following is an entry in ClinVar:

NM_021224.6(ZNF462):c.5862A>G (p.Leu1954=)

Gene: ZNF462 (zinc finger protein 462; plus strand). Cytogenetic location: 9q31.2.
Variant type: single nucleotide variant.
Coding change: c.5862A>G on transcript NM_021224.6 (MANE Select); coding-DNA position 5862, A replaced by G.
Protein change: p.Leu1954=; no amino-acid change (leucine 1954 retained).
Molecular consequence: synonymous variant.
Genome position (GRCh38, 1-based): chr9:106,930,539, A>G. VCF-style: chr9-106930539-A-G. GRCh37 (hg19) VCF-style: chr9-109692820-A-G.
Other names: c.3267A>G, p.Leu1089= (NM_001347997.2).
Identifiers: ClinVar variation 2659391 (VCV002659391.25), dbSNP rs139184113, ClinGen allele CA5172069.

ClinVar aggregate classification (germline): Likely benign. Review status: criteria provided, multiple submitters, no conflicts (2 of 4 stars). 2 submissions from 2 submitters: Likely benign (2). Last evaluated 2026-02-01.

Allele frequency attached by ClinVar (database versions not stated): ExAC 0.00126; TOPMed 0.00165; gnomAD 0.00176; ESP Exome Variant Server 0.00223; gnomAD exomes 0.00300; 1000 Genomes Project 30x 0.00016.
gnomAD v4.1: 4,571 of 1,614,132 alleles (0.28%); highest among the groups gnomAD compares: Non-Finnish European, 0.37%; 11 homozygotes.

Submissions (2):

CeGaT Center for Human Genetics Tuebingen
Classification: Likely benign. Last evaluated: 2026-02-01. Review status: criteria provided, single submitter. Criteria: CeGaT Center For Human Genetics Tuebingen Variant Classification Criteria Version 2. Collection method: clinical testing. Allele origin: germline. Affected: yes. Observed: 6 variant alleles.
Comment: ZNF462: BP4, BS1

Blueprint Genetics
Classification: Likely benign. Last evaluated: 2024-11-27. Review status: criteria provided, single submitter. Criteria: ACMG Guidelines, 2015. Collection method: clinical testing. Allele origin: germline.